The following is an entry in ClinVar:

ClinVar aggregate classification (germline): Pathogenic. Review status: criteria provided, multiple submitters, no conflicts (2 of 4 stars). 13 submissions from 13 submitters: Pathogenic (12). 1 of the submissions does not count toward it. Last evaluated 2026-01-19.

Conditions:
Hereditary nonpolyposis colon cancer (HNPCC). Also called: Hereditary nonpolyposis colorectal cancer; Familial nonpolyposis colon cancer; Hereditary Nonpolyposis Colorectal Cancer Syndrome. Identifiers: Orphanet 443909, MedGen C1333990, MONDO:0018630. Disease mechanism: loss of function.
PMS2-related disorder. Also called: PMS2-related condition.
Hereditary nonpolyposis colorectal neoplasms. Identifiers: MedGen C0009405, MeSH D003123.
Lynch syndrome. Identifiers: Orphanet 144, MedGen C4552100, MONDO:0005835. Disease mechanism: loss of function.
Hereditary cancer-predisposing syndrome. Also called: Neoplastic Syndromes, Hereditary; Tumor predisposition; Hereditary Cancer Syndrome; Hereditary neoplastic syndrome. Identifiers: Orphanet 140162, MedGen C0027672, MeSH D009386, MONDO:0015356.
Lynch syndrome 4 (LYNCH4). Also called: Colorectal cancer, hereditary nonpolyposis, type 4; Hereditary non-polyposis colorectal cancer, type 4. Identifiers: Orphanet 144, MedGen C1838333, MONDO:0013699, OMIM 614337. Disease mechanism: loss of function.

Submissions 1 to 9 of 13:

Labcorp Genetics (formerly Invitae), Labcorp
Classification: Pathogenic for Hereditary nonpolyposis colorectal neoplasms. Last evaluated: 2026-01-19. Review status: criteria provided, single submitter. Criteria: Invitae Variant Classification Sherloc (09022015). Collection method: clinical testing. Allele origin: germline.
Comment: This sequence change creates a premature translational stop signal (p.Leu625*) in the PMS2 gene. It is expected to result in an absent or disrupted protein product. Loss-of-function variants in PMS2 are known to be pathogenic (PMID: 21376568, 24362816). This variant is present in population databases (rs786203073, gnomAD 0.0009%). This premature translational stop signal has been observed in individual(s) with colorectal cancer (PMID: 25856668, 26895986). Invitae Evidence Modeling of clinical and family history, age, sex, and reported ancestry of multiple individuals with this PMS2 variant has been performed. This variant is expected to be pathogenic with a positive predictive value of at least 99%. This is a validated machine learning model that incorporates the clinical features of 1,627,235 individuals referred to our laboratory for PMS2 testing. ClinVar contains an entry for this variant (Variation ID: 186596). For these reasons, this variant has been classified as Pathogenic.

Quest Diagnostics Nichols Institute San Juan Capistrano
Classification: Pathogenic. Last evaluated: 2025-04-07. Review status: criteria provided, single submitter. Criteria: Quest Diagnostics criteria. Collection method: clinical testing. Allele origin: unknown.
Comment: The PMS2 c.1874del (p.Leu625*) variant causes the premature termination of PMS2 protein synthesis. In the published literature, this variant has been reported in individuals with colorectal cancer (PMIDs: 27978560 (2016), 26895986 (2016), 25856668 (2015)), suspected Lynch syndrome or hereditary breast/ovarian cancer (PMID: 28514183 (2017)), and in a cohort of individuals with colorectal or endometrial cancer (PMID: 30019097 (2019)). This variant has also been observed in a reportedly unaffected individual (PMID: 25856668 (2016)). This variant has not been reported in large, multi-ethnic general populations (Genome Aggregation Database). Based on the available information, this variant is classified as pathogenic.

GeneDx
Classification: Pathogenic. Last evaluated: 2024-10-02. Review status: criteria provided, single submitter. Criteria: GeneDx Variant Classification Process June 2021. Collection method: clinical testing. Allele origin: germline. Affected: yes.
Comment: Nonsense variant predicted to result in protein truncation or nonsense mediated decay in a gene for which loss of function is a known mechanism of disease; Truncating variants in this gene are considered pathogenic by a well-established clinical consortium and/or database; Not observed at significant frequency in large population cohorts (gnomAD); This variant is associated with the following publications: (PMID: 26895986, 25856668, 27978560, 28514183, 30787465, 31447099, 32719484, 29345684, 30019097)

All of Us Research Program, National Institutes of Health
Classification: Pathogenic for Lynch syndrome. Last evaluated: 2024-08-03. Review status: criteria provided, single submitter. Criteria: ACMG Guidelines, 2015. Collection method: clinical testing. Allele origin: germline. Inheritance: Autosomal dominant inheritance. Observed: 3 variant alleles, 3 heterozygotes.
Comment: This variant deletes 1 nucleotide in exon 11 of the PMS2 gene, creating a frameshift and premature translation stop signal. This variant is expected to result in an absent or non-functional protein product. To our knowledge, functional studies have not been reported for this variant. This variant has been reported in individuals affected with Lynch syndrome and Lynch syndrome-associated disease (PMID: 25856668, 26895986, 27978560). Tumor data from affected individuals has demonstrated deficient mismatch repair and loss of PMS2 protein via immunohistochemistry (PMID: 25856668, 27978560). This variant has been identified in 1/251448 chromosomes in the general population by the Genome Aggregation Database (gnomAD). Loss of PMS2 function is a known mechanism of disease. Based on the available evidence, this variant is classified as Pathogenic.

This study involves interpretation of variants in research participants for the purpose of population health screening. Participant phenotype was not available at the time of variant classification. Additional details can be found in publication PMID: 35346344, PMCID: PMC8962531

Color Diagnostics, LLC DBA Color Health
Classification: Pathogenic for Hereditary cancer-predisposing syndrome. Last evaluated: 2024-05-08. Review status: criteria provided, single submitter. Criteria: ACMG Guidelines, 2015. Collection method: clinical testing. Allele origin: germline.
Comment: This variant deletes 1 nucleotide in exon 11 of the PMS2 gene, creating a frameshift and premature translation stop signal. This variant is expected to result in an absent or non-functional protein product. To our knowledge, functional studies have not been reported for this variant. This variant has been reported in individuals affected with Lynch syndrome and Lynch syndrome-associated disease (PMID: 25856668, 26895986, 27978560). Tumor data from affected individuals has demonstrated deficient mismatch repair and loss of PMS2 protein via immunohistochemistry (PMID: 25856668, 27978560). This variant has been identified in 1/251448 chromosomes in the general population by the Genome Aggregation Database (gnomAD). Loss of PMS2 function is a known mechanism of disease. Based on the available evidence, this variant is classified as Pathogenic.

Baylor Genetics
Classification: Pathogenic for Lynch syndrome 4. Last evaluated: 2023-12-27. Review status: criteria provided, single submitter. Criteria: ACMG Guidelines, 2015. Collection method: clinical testing. Allele origin: unknown.

Myriad Genetics, Inc.
Classification: Pathogenic for Lynch syndrome 4. Last evaluated: 2023-09-21. Review status: criteria provided, single submitter. Criteria: Myriad Autosomal Dominant, Autosomal Recessive and X-Linked Classification Criteria (2023). Collection method: clinical testing. Allele origin: unknown.
Comment: This variant is considered pathogenic. This variant creates a termination codon and is predicted to result in premature protein truncation.

Ambry Genetics
Classification: Pathogenic for Hereditary cancer-predisposing syndrome. Last evaluated: 2022-10-27. Review status: criteria provided, single submitter. Criteria: Ambry Variant Classification Scheme 2023. Collection method: clinical testing. Allele origin: germline.
Comment: The c.1874delT pathogenic mutation, located in coding exon 11 of the PMS2 gene, results from a deletion of one nucleotide at nucleotide position 1874, causing a translational frameshift with a predicted alternate stop codon (p.L625*). This mutation has been detected in multiple individuals with Lynch syndrome-associated cancers and several with tumors showing loss of PMS2 staining on IHC (Goodenberger ML et al. Genet Med, 2016 Jan;18:13-9; Rosty C et al. BMJ Open, 2016 Feb;6:e010293; Pearlman R et al. JAMA Oncol, 2017 Apr;3:464-471; Espenschied CR et al. J Clin Oncol, 2017 Aug;35:2568-2575; Ranola JMO et al. Fam Cancer, 2019 01;18:67-73; Ambry internal data). In addition to the clinical data presented in the literature, this alteration is expected to result in loss of function by premature protein truncation or nonsense-mediated mRNA decay. As such, this alteration is interpreted as a disease-causing mutation.

Mayo Clinic Laboratories, Mayo Clinic
Classification: Pathogenic. Last evaluated: 2022-02-23. Review status: criteria provided, single submitter. Criteria: ACMG Guidelines, 2015. Collection method: clinical testing. Allele origin: germline. Observed: 1 variant allele.
Comment: PP4, PM2, PVS1

NM_000535.7(PMS2):c.1874del (p.Ser624_Leu625insTer)

Gene: PMS2 (PMS1 homolog 2, mismatch repair system component; minus strand). Cytogenetic location: 7p22.1.
Variant type: Deletion.
Coding change: c.1874del on transcript NM_000535.7 (MANE Select); coding-DNA position 1874, one base deleted (T; older notation c.1874delT).
Protein change: p.Ser624_Leu625insTer.
Molecular consequence: nonsense. On other transcripts: non-coding transcript variant (1).
Genome position (GRCh38, 1-based): chr7:5,986,891, A deleted on the plus strand (T on the coding strand, the reverse complement: PMS2 is on the minus strand); the first of 3 consecutive A bases (chr7:5,986,891-5,986,893); deleting any one gives the same sequence. VCF-style (leftmost placement, unchanged base first): chr7-5986890-TA-T. GRCh37 (hg19) VCF-style: chr7-6026521-TA-T.
Other names: c.1874del (NM_000535.5); c.1469del, p.Ser489_Leu490insTer (NM_001322003.2, NM_001322004.2, NM_001322005.2 and 1 more transcripts); c.1718del, p.Ser572_Leu573insTer (NM_001322006.2); c.1556del, p.Ser518_Leu519insTer (NM_001322007.2, NM_001322008.2); c.1313del, p.Ser437_Leu438insTer (NM_001322010.2); c.941del, p.Ser313_Leu314insTer (NM_001322011.2, NM_001322012.2); c.1301del, p.Ser433_Leu434insTer (NM_001322013.2); c.1874del, p.Ser624_Leu625insTer (NM_001322014.2); and 1 more.
Identifiers: ClinVar variation 186596 (VCV000186596.43), dbSNP rs786203073, ClinGen allele CA010377.